The following is an entry in ClinVar:

ClinVar aggregate classification (germline): Likely benign. Review status: criteria provided, multiple submitters, no conflicts (2 of 4 stars). 6 submissions from 6 submitters: Likely benign (4). 2 of the submissions do not count toward it. Last evaluated 2026-01-26.

Conditions:
Cardiovascular phenotype. Identifiers: MedGen CN230736.
Distal myopathy with posterior leg and anterior hand involvement. Also called: WILLIAMS DISTAL MYOPATHY. Identifiers: Orphanet 63273, MedGen C3279722, MONDO:0013550, OMIM 614065.
Myofibrillar myopathy 5. Also called: Filaminopathy (type); FILAMINOPATHY, AUTOSOMAL DOMINANT. Identifiers: Orphanet 171445, MedGen C1836050, MONDO:0012289, OMIM 609524.
Hypertrophic cardiomyopathy 26. Also called: Cardiomyopathy, familial hypertrophic, 26. Identifiers: Orphanet 75249, MedGen C4310749, MONDO:0014883, OMIM 617047.

Allele frequency attached by ClinVar (database versions not stated): gnomAD exomes 0.00002; TOPMed 0.00004; gnomAD 0.00007.
gnomAD v4.1: 36 of 1,613,326 alleles (0.0022%); highest among the groups gnomAD compares: Admixed American, 0.015%; no homozygotes.

Submissions (6):

Labcorp Genetics (formerly Invitae), Labcorp
Classification: Likely benign for Distal myopathy with posterior leg and anterior hand involvement; Myofibrillar myopathy 5; Hypertrophic cardiomyopathy 26. Last evaluated: 2026-01-26. Review status: criteria provided, single submitter. Criteria: Invitae Variant Classification Sherloc (09022015). Collection method: clinical testing. Allele origin: germline.

CeGaT Center for Human Genetics Tuebingen
Classification: Likely benign. Last evaluated: 2024-09-01. Review status: criteria provided, single submitter. Criteria: CeGaT Center For Human Genetics Tuebingen Variant Classification Criteria Version 2. Collection method: clinical testing. Allele origin: germline. Affected: yes. Observed: 1 variant allele.
Comment: FLNC: BP4, BP7

Blueprint Genetics
Classification: Likely benign. Last evaluated: 2024-01-10. Review status: criteria provided, single submitter. Criteria: ACMG Guidelines, 2015. Collection method: clinical testing. Allele origin: germline.

Ambry Genetics
Classification: Likely benign for Cardiovascular phenotype. Last evaluated: 2019-10-18. Review status: criteria provided, single submitter. Criteria: Ambry Variant Classification Scheme 2023. Collection method: clinical testing. Allele origin: germline.

Clinical Genetics DNA and cytogenetics Diagnostics Lab, Erasmus MC, Erasmus Medical Center
Classification: Likely benign. Review status: no assertion criteria provided. Collection method: clinical testing. Allele origin: germline. Affected: yes. Study: VKGL Data-share Consensus. Not counted in ClinVar's aggregate classification.

Genome Diagnostics Laboratory, University Medical Center Utrecht
Classification: Likely benign. Review status: no assertion criteria provided. Collection method: clinical testing. Allele origin: germline. Affected: yes. Study: VKGL Data-share Consensus. Not counted in ClinVar's aggregate classification.

NM_001458.5(FLNC):c.7605G>A (p.Ser2535=)

Genes: FLNC (filamin C; plus strand), FLNC-AS1 (FLNC antisense RNA 1; minus strand). Cytogenetic location: 7q32.1.
Variant type: single nucleotide variant.
Coding change: c.7605G>A on transcript NM_001458.5 (MANE Select); coding-DNA position 7605, G replaced by A.
Protein change: p.Ser2535=; no amino-acid change (serine 2535 retained).
Molecular consequence: synonymous variant.
Genome position (GRCh38, 1-based): chr7:128,857,161, G>A. VCF-style: chr7-128857161-G-A. GRCh37 (hg19) VCF-style: chr7-128497215-G-A.
Other names: c.7506G>A, p.Ser2502= (NM_001127487.2).
Identifiers: ClinVar variation 576606 (VCV000576606.39), dbSNP rs777724201, ClinGen allele CA166195404.